The following is an entry in ClinVar:

ClinVar aggregate classification (germline): Uncertain significance (1 of 4 stars; one submission).

Submission:

GeneDx
Classification: Uncertain significance. Last evaluated: 2025-07-09. Review status: criteria provided, single submitter. Criteria: GeneDx Variant Classification Process June 2021. Collection method: clinical testing. Allele origin: germline. Affected: yes.
Comment: Not observed at significant frequency in large population cohorts (gnomAD); In silico analysis supports that this missense variant has a deleterious effect on protein structure/function; Has not been previously published as pathogenic or benign to our knowledge

NM_015898.4(ZBTB7A):c.466C>G (p.Arg156Gly)

Gene: ZBTB7A (zinc finger and BTB domain containing 7A; minus strand). Cytogenetic location: 19p13.3.
Variant type: single nucleotide variant.
Coding change: c.466C>G on transcript NM_015898.4 (MANE Select); coding-DNA position 466, C replaced by G.
Protein change: p.Arg156Gly; replaces arginine 156 with glycine.
Molecular consequence: missense variant.
Genome position (GRCh38, 1-based): chr19:4,054,767, G>C on the plus strand (C>G on the coding strand, the complement: ZBTB7A is on the minus strand). VCF-style: chr19-4054767-G-C. GRCh37 (hg19) VCF-style: chr19-4054765-G-C.
Other names: c.466C>G, p.Arg156Gly (NM_001317990.2); short protein forms R156G.
Identifiers: ClinVar variation 4685371 (VCV004685371.1).